The following is an entry in ClinVar:

NM_001304331.2(PPFIA4):c.406C>T (p.Arg136Cys)

Gene: PPFIA4 (PPFI scaffold protein A4; plus strand). Cytogenetic location: 1q32.1.
Variant type: single nucleotide variant.
Coding change: c.406C>T on transcript NM_001304331.2 (MANE Select); coding-DNA position 406, C replaced by T.
Protein change: p.Arg136Cys; replaces arginine 136 with cysteine.
Molecular consequence: missense variant.
Genome position (GRCh38, 1-based): chr1:203,044,000, C>T. VCF-style: chr1-203044000-C-T. GRCh37 (hg19) VCF-style: chr1-203013128-C-T.
Other names: c.406C>T, p.Arg136Cys (NM_001304332.2, NM_001393950.1, NM_001393951.1 and 6 more transcripts); short protein forms R136C.
Identifiers: ClinVar variation 2639813 (VCV002639813.24), dbSNP rs756691763, ClinGen allele CA1337088.

ClinVar aggregate classification (germline): Uncertain significance (1 of 4 stars; one submission).

Allele frequency attached by ClinVar (database versions not stated): ExAC 0.00001; gnomAD exomes 0.00001.
gnomAD v4.1: 7 of 1,612,108 alleles (0.00043%); highest among the groups gnomAD compares: East Asian, 0.0022%; no homozygotes.

Submission:

CeGaT Center for Human Genetics Tuebingen
Classification: Uncertain significance. Last evaluated: 2022-03-01. Review status: criteria provided, single submitter. Criteria: CeGaT Center For Human Genetics Tuebingen Variant Classification Criteria Version 2. Collection method: clinical testing. Allele origin: germline. Affected: yes. Observed: 1 variant allele.
Comment: PPFIA4: PM2, PP3, PS2:Supporting